The following is an entry in ClinVar:

NM_004260.4(RECQL4):c.1621G>A (p.Val541Met)

Gene: RECQL4 (RecQ like helicase 4; minus strand). Cytogenetic location: 8q24.3.
Variant type: single nucleotide variant.
Coding change: c.1621G>A on transcript NM_004260.4 (MANE Select); coding-DNA position 1621, G replaced by A.
Protein change: p.Val541Met; replaces valine 541 with methionine.
Molecular consequence: missense variant.
Genome position (GRCh38, 1-based): chr8:144,514,525, C>T on the plus strand (G>A on the coding strand, the complement: RECQL4 is on the minus strand). VCF-style: chr8-144514525-C-T. GRCh37 (hg19) VCF-style: chr8-145739909-C-T.
Other names: short protein forms V541M.
Identifiers: ClinVar variation 962625 (VCV000962625.5), dbSNP rs1827866032, ClinGen allele CA372683159.

ClinVar aggregate classification (germline): Uncertain significance (1 of 4 stars; one submission).

Conditions:
Baller-Gerold syndrome (BGS). Also called: CRANIOSYNOSTOSIS WITH RADIAL DEFECTS. Identifiers: Orphanet 1225, MedGen C0265308, MONDO:0009039, OMIM 218600.

Submission:

Labcorp Genetics (formerly Invitae), Labcorp
Classification: Uncertain significance for Baller-Gerold syndrome. Last evaluated: 2019-08-08. Review status: criteria provided, single submitter. Criteria: Invitae Variant Classification Sherloc (09022015). Collection method: clinical testing. Allele origin: germline.
Comment: This sequence change replaces valine with methionine at codon 541 of the RECQL4 protein (p.Val541Met). The valine residue is highly conserved and there is a small physicochemical difference between valine and methionine. This variant is not present in population databases (ExAC no frequency). This variant has not been reported in the literature in individuals with RECQL4-related conditions. Algorithms developed to predict the effect of missense changes on protein structure and function are either unavailable or do not agree on the potential impact of this missense change (SIFT: "Deleterious"; PolyPhen-2: "Not Available"; Align-GVGD: "Class C0"). In summary, the available evidence is currently insufficient to determine the role of this variant in disease. Therefore, it has been classified as a Variant of Uncertain Significance.